The following is an entry in ClinVar:

NM_006846.4(SPINK5):c.3011A>G (p.Tyr1004Cys)

Gene: SPINK5 (serine peptidase inhibitor Kazal type 5; plus strand). Cytogenetic location: 5q32.
Variant type: single nucleotide variant.
Coding change: c.3011A>G on transcript NM_006846.4 (MANE Select); coding-DNA position 3011, A replaced by G.
Protein change: p.Tyr1004Cys; replaces tyrosine 1004 with cysteine.
Molecular consequence: missense variant.
Genome position (GRCh38, 1-based): chr5:148,131,305, A>G. VCF-style: chr5-148131305-A-G. GRCh37 (hg19) VCF-style: chr5-147510868-A-G.
Other names: c.3101A>G, p.Tyr1034Cys (NM_001127698.2); short protein forms Y1034C, Y1004C.
Identifiers: ClinVar variation 1431813 (VCV001431813.6), dbSNP rs1004978122, ClinGen allele CA128947193.

ClinVar aggregate classification (germline): Uncertain significance (1 of 4 stars; one submission).

Conditions:
Ichthyosis linearis circumflexa. Identifiers: MedGen C0265962, MONDO:0043106, HP:0025810.

Allele frequency attached by ClinVar (database versions not stated): gnomAD exomes below 0.00001.
gnomAD v4.1: 5 of 1,613,862 alleles (0.00031%); highest among the groups gnomAD compares: African/African-American, 0.0053%; no homozygotes.

Submission:

Labcorp Genetics (formerly Invitae), Labcorp
Classification: Uncertain significance for Ichthyosis linearis circumflexa. Last evaluated: 2021-11-22. Review status: criteria provided, single submitter. Criteria: Invitae Variant Classification Sherloc (09022015). Collection method: clinical testing. Allele origin: germline.
Comment: In summary, the available evidence is currently insufficient to determine the role of this variant in disease. Therefore, it has been classified as a Variant of Uncertain Significance. Algorithms developed to predict the effect of missense changes on protein structure and function are either unavailable or do not agree on the potential impact of this missense change (SIFT: "Deleterious"; PolyPhen-2: "Probably Damaging"; Align-GVGD: "Class C0"). This variant has not been reported in the literature in individuals affected with SPINK5-related conditions. This variant is not present in population databases (gnomAD no frequency). This sequence change replaces tyrosine, which is neutral and polar, with cysteine, which is neutral and slightly polar, at codon 1004 of the SPINK5 protein (p.Tyr1004Cys).